The following is an entry in ClinVar:

NM_001130823.3(DNMT1):c.2309C>T (p.Ala770Val)

Gene: DNMT1 (DNA methyltransferase 1; minus strand). Cytogenetic location: 19p13.2.
Variant type: single nucleotide variant.
Coding change: c.2309C>T on transcript NM_001130823.3 (MANE Select); coding-DNA position 2309, C replaced by T.
Protein change: p.Ala770Val; replaces alanine 770 with valine.
Molecular consequence: missense variant.
Genome position (GRCh38, 1-based): chr19:10,149,925, G>A on the plus strand (C>T on the coding strand, the complement: DNMT1 is on the minus strand). VCF-style: chr19-10149925-G-A. GRCh37 (hg19) VCF-style: chr19-10260601-G-A.
Other names: c.2261C>T, p.Ala754Val (NM_001318730.2, NM_001379.4); c.1946C>T, p.Ala649Val (NM_001318731.2); short protein forms A770V, A649V, A754V.
Identifiers: ClinVar variation 935517 (VCV000935517.9), dbSNP rs573248196, ClinGen allele CA305171233.

ClinVar aggregate classification (germline): Uncertain significance (1 of 4 stars; one submission).

Conditions:
Hereditary sensory neuropathy-deafness-dementia syndrome. Also called: Hereditary Sensory and Autonomic Neuropathy Type 1E (HSAN1E); NEUROPATHY, HEREDITARY SENSORY, WITH HEARING LOSS AND DEMENTIA; Hereditary sensory neuropathy type IE; HSN IE. Identifiers: Orphanet 456318, MedGen C3279885, MONDO:0013584, OMIM 614116.

Allele frequency attached by ClinVar (database versions not stated): TOPMed below 0.00001.
gnomAD v4.1: 26 of 1,614,150 alleles (0.0016%); highest among the groups gnomAD compares: South Asian, 0.0022%; no homozygotes.

Submission:

Labcorp Genetics (formerly Invitae), Labcorp
Classification: Uncertain significance for Hereditary sensory neuropathy-deafness-dementia syndrome. Last evaluated: 2019-05-31. Review status: criteria provided, single submitter. Criteria: Invitae Variant Classification Sherloc (09022015). Collection method: clinical testing. Allele origin: germline.
Comment: In summary, the available evidence is currently insufficient to determine the role of this variant in disease. Therefore, it has been classified as a Variant of Uncertain Significance. Algorithms developed to predict the effect of missense changes on protein structure and function (SIFT, PolyPhen-2, Align-GVGD) all suggest that this variant is likely to be tolerated, but these predictions have not been confirmed by published functional studies and their clinical significance is uncertain. This variant has not been reported in the literature in individuals with DNMT1-related conditions. This variant is not present in population databases (ExAC no frequency). This sequence change replaces alanine with valine at codon 770 of the DNMT1 protein (p.Ala770Val). The alanine residue is weakly conserved and there is a small physicochemical difference between alanine and valine.